The following is an entry in ClinVar:

NM_003073.5(SMARCB1):c.629-62A>G

Gene: SMARCB1 (SWI/SNF related BAF chromatin remodeling complex subunit B1; plus strand). Cytogenetic location: 22q11.23.
Variant type: single nucleotide variant.
Coding change: c.629-62A>G on transcript NM_003073.5 (MANE Select); 62 bases into the intron before coding-DNA position 629, A replaced by G.
Molecular consequence: intron variant.
Genome position (GRCh38, 1-based): chr22:23,816,708, A>G. VCF-style: chr22-23816708-A-G. GRCh37 (hg19) VCF-style: chr22-24158895-A-G.
Other names: c.683-62A>G (NM_001362877.2); c.656-62A>G (NM_001317946.2); c.602-62A>G (NM_001007468.3).
Identifiers: ClinVar variation 677111 (VCV000677111.2), dbSNP rs9608192, ClinGen allele CA14993578.

ClinVar aggregate classification (germline): Benign. Review status: criteria provided, multiple submitters, no conflicts (2 of 4 stars). 2 submissions from 2 submitters: Benign (2). Last evaluated 2018-06-20.

Allele frequency attached by ClinVar (database versions not stated): gnomAD 0.10387 and 0.10507; 1000 Genomes Project 0.10523; gnomAD exomes 0.11346; TOPMed 0.09971; 1000 Genomes Project 30x 0.10212.
gnomAD v4.1: 167,219 of 1,483,064 alleles (11%); highest among the groups gnomAD compares: South Asian, 18%; 10,134 homozygotes.

Submissions (2):

GeneDx
Classification: Benign. Last evaluated: 2018-06-20. Review status: criteria provided, single submitter. Criteria: GeneDx Variant Classification (06012015). Collection method: clinical testing. Allele origin: germline. Affected: yes.
Comment: This variant is considered likely benign or benign based on one or more of the following criteria: it is a conservative change, it occurs at a poorly conserved position in the protein, it is predicted to be benign by multiple in silico algorithms, and/or has population frequency not consistent with disease.

Breakthrough Genomics
Classification: Benign. Review status: criteria provided, single submitter. Criteria: ACMG Guidelines, 2015. Collection method: not provided. Allele origin: germline. Inheritance: Autosomal dominant inheritance. Affected: yes.